The following is an entry in ClinVar:

NM_020738.4(KIDINS220):c.90T>C (p.Asp30=)

Gene: KIDINS220 (kinase D interacting substrate 220; minus strand). Cytogenetic location: 2p25.1.
Variant type: single nucleotide variant.
Coding change: c.90T>C on transcript NM_020738.4 (MANE Select); coding-DNA position 90, T replaced by C.
Protein change: p.Asp30=; no amino-acid change (aspartic acid 30 retained).
Molecular consequence: synonymous variant. On other transcripts: 5 prime UTR variant (1), non-coding transcript variant (2).
Genome position (GRCh38, 1-based): chr2:8,827,004, A>G on the plus strand (T>C on the coding strand, the complement: KIDINS220 is on the minus strand). VCF-style: chr2-8827004-A-G. GRCh37 (hg19) VCF-style: chr2-8967134-A-G.
Other names: c.90T>C (NM_020738.2); c.90T>C, p.Asp30= (NM_001348729.2, NM_001348731.2, NM_001348732.2 and 9 more transcripts); c.-208T>C (NM_001348736.2).
Identifiers: ClinVar variation 2061941 (VCV002061941.6), dbSNP rs767757262, ClinGen allele CA1520545.

ClinVar aggregate classification (germline): Likely benign. Review status: criteria provided, single submitter (1 of 4 stars). 2 submissions from 2 submitters: Likely benign (1). 1 of the submissions does not count toward it. Last evaluated 2022-09-07.

Conditions:
KIDINS220-related disorder. Also called: KIDINS220-related condition.

Allele frequency attached by ClinVar (database versions not stated): ExAC 0.00001; TOPMed 0.00002; gnomAD exomes 0.00001.
gnomAD v4.1: 12 of 1,606,558 alleles (0.00075%); highest among the groups gnomAD compares: Admixed American, 0.012%; no homozygotes.

Submissions (2):

Labcorp Genetics (formerly Invitae), Labcorp
Classification: Likely benign. Last evaluated: 2022-09-07. Review status: criteria provided, single submitter. Criteria: Invitae Variant Classification Sherloc (09022015). Collection method: clinical testing. Allele origin: germline.

PreventionGenetics, part of Exact Sciences
Classification: Likely benign for KIDINS220-related condition. Last evaluated: 2022-06-01. Review status: no assertion criteria provided. Collection method: clinical testing. Allele origin: germline. Not counted in ClinVar's aggregate classification.
Comment: This variant is classified as likely benign based on ACMG/AMP sequence variant interpretation guidelines (Richards et al. 2015 PMID: 25741868, with internal and published modifications).